The following is an entry in ClinVar:

NM_003331.5(TYK2):c.1393C>T (p.Arg465Trp)

Gene: TYK2 (tyrosine kinase 2; minus strand). Cytogenetic location: 19p13.2.
Variant type: single nucleotide variant.
Coding change: c.1393C>T on transcript NM_003331.5 (MANE Select); coding-DNA position 1393, C replaced by T.
Protein change: p.Arg465Trp; replaces arginine 465 with tryptophan.
Molecular consequence: missense variant.
Genome position (GRCh38, 1-based): chr19:10,362,632, G>A on the plus strand (C>T on the coding strand, the complement: TYK2 is on the minus strand). VCF-style: chr19-10362632-G-A. GRCh37 (hg19) VCF-style: chr19-10473308-G-A.
Other names: c.1393C>T, p.Arg465Trp (NM_001385197.1, NM_001385198.1, NM_001385199.1 and 6 more transcripts); c.1195C>T, p.Arg399Trp (NM_001385201.1); c.1303C>T, p.Arg435Trp (NM_001385205.1); short protein forms R435W, R399W, R465W.
Identifiers: ClinVar variation 1425872 (VCV001425872.6), dbSNP rs371207387, ClinGen allele CA9193428.
Genomic context (GRCh38, chr19:10,362,632, plus strand): 5'-GGATCAGGCGGTAGGGGTGGCTGGTGCTCCAGTGAATGAGGTACAGGCCGTCCTCGGGCC[G>A]CAGCTTGGCCTGCACAAATGGCTCCCTGGAAGGTGGTCCAGGGGGACTATCAGGCCACCT-3'
Protein context (NP_003322.3, residues 455-475): LLEPFVQAKL[Arg465Trp]PEDGLYLIHW

ClinVar aggregate classification (germline): Uncertain significance (1 of 4 stars; one submission).

Conditions:
Immunodeficiency 35 (IMD35). Also called: TYK2 DEFICIENCY; Susceptibility to infection due to TYK2 deficiency; HIES WITH ATYPICAL MYCOBACTERIOSIS, AUTOSOMAL RECESSIVE; HYPER-IgE SYNDROME WITH ATYPICAL MYCOBACTERIOSIS, AUTOSOMAL RECESSIVE. Identifiers: Orphanet 331226, MedGen C1969086, MONDO:0012682, OMIM 611521.

Allele frequency attached by ClinVar (database versions not stated): gnomAD exomes 0.00002 and 0.00003; TOPMed 0.00002; gnomAD 0.00003 and 0.00004; ExAC 0.00005; ESP Exome Variant Server 0.00008.
gnomAD v4.1: 35 of 1,551,718 alleles (0.0023%); highest among the groups gnomAD compares: South Asian, 0.027%; no homozygotes.

Submission:

Labcorp Genetics (formerly Invitae), Labcorp
Classification: Uncertain significance for Immunodeficiency 35. Last evaluated: 2022-03-14. Review status: criteria provided, single submitter. Criteria: Invitae Variant Classification Sherloc (09022015). Collection method: clinical testing. Allele origin: germline.
Comment: In summary, the available evidence is currently insufficient to determine the role of this variant in disease. Therefore, it has been classified as a Variant of Uncertain Significance. Algorithms developed to predict the effect of missense changes on protein structure and function output the following: SIFT: "Not Available"; PolyPhen-2: "Benign"; Align-GVGD: "Not Available". The tryptophan amino acid residue is found in multiple mammalian species, which suggests that this missense change does not adversely affect protein function. This variant has not been reported in the literature in individuals affected with TYK2-related conditions. The frequency data for this variant in the population databases is considered unreliable, as metrics indicate poor data quality at this position in the gnomAD database. This sequence change replaces arginine, which is basic and polar, with tryptophan, which is neutral and slightly polar, at codon 465 of the TYK2 protein (p.Arg465Trp).